The following is an entry in ClinVar:

ClinVar aggregate classification (germline): Likely pathogenic. Review status: criteria provided, multiple submitters, no conflicts (2 of 4 stars). 2 submissions from 2 submitters: Likely pathogenic (2). Last evaluated 2025-07-25.

Conditions:
Autosomal recessive polycystic kidney disease (ARPKD). Also called: AR polycystic kidney disease. Identifiers: Orphanet 731, Orphanet 8378, MedGen C0085548, MeSH D017044, MONDO:0009889.
Polycystic kidney disease 4 (PKD4). Also called: POLYCYSTIC KIDNEY AND HEPATIC DISEASE 1; POLYCYSTIC KIDNEY DISEASE, INFANTILE, TYPE I; Autosomal Recessive Polycystic Kidney Disease – PKHD1; POLYCYSTIC KIDNEY DISEASE 4 WITH OR WITHOUT POLYCYSTIC LIVER DISEASE; PKD3. Identifiers: MedGen C4540575, MONDO:0033004, OMIM 263200.

Submissions (2):

Natera, Inc.
Classification: Likely pathogenic for Autosomal recessive polycystic kidney disease. Last evaluated: 2025-07-25. Review status: criteria provided, single submitter. Criteria: Natera Variant Classification Schema (03/2026). Collection method: clinical testing. Allele origin: germline.
Comment: The c.6433dup variant in PKHD1 is a frameshift variant predicted to shift the reading frame beginning at codon 2145 and leads to a stop codon 3 codons downstream. This variant is expected to result in nonsense mediated decay, truncation, or a dysfunctional protein product. This variant is rare in the general population with a frequency below the threshold expected for the associated phenotype(s). Given the available evidence, this variant is classified as Likely Pathogenic.

MVZ Medizinische Genetik Mainz
Classification: Likely pathogenic for Polycystic kidney disease 4. Last evaluated: 2024-09-25. Review status: criteria provided, single submitter. Criteria: UK Practice Guidelines For Variant Classification V4 01 2020. Collection method: clinical testing. Allele origin: germline. Inheritance: Autosomal dominant inheritance. Affected: yes. Observed: 1 variant allele.
Comment: ACMG Criteria: PVS1,PM2_SUP

NM_138694.4(PKHD1):c.6433dup (p.Leu2145fs)

Gene: PKHD1 (PKHD1 ciliary IPT domain containing fibrocystin/polyductin; minus strand). Cytogenetic location: 6p12.2.
Variant type: Duplication.
Coding change: c.6433dup on transcript NM_138694.4 (MANE Select); coding-DNA position 6433, one base duplicated (C; older notation c.6433dupC).
Protein change: p.Leu2145fs; shifts the reading frame from leucine 2145.
Molecular consequence: frameshift variant.
Genome position (GRCh38, 1-based): chr6:51,911,856, G duplicated on the plus strand (C on the coding strand, the reverse complement: PKHD1 is on the minus strand). VCF-style (leftmost placement, unchanged base first): chr6-51911855-A-AG. GRCh37 (hg19) VCF-style: chr6-51776653-A-AG.
Other names: c.6433dup (NM_138694.3); c.6433dup, p.Leu2145fs (NM_170724.3); short protein forms L2145fs.
Identifiers: ClinVar variation 3370340 (VCV003370340.2).
Genomic context (GRCh38, chr6:51,911,855, plus strand): 5'-CTACCTTCTGGAGCATTGGCCTCCTGGCATGAAACAAGCAGCTTCTCCCTCTCATTAGTG[A>AG]GATTTCCTTGTATGGTAATACTCCTGCTGAGCAGAGCCACAGTGGCCTTTAAAATATGGT-3'